The following is an entry in ClinVar:

NM_000554.6(CRX):c.433C>T (p.Pro145Ser)

Gene: CRX (cone-rod homeobox; plus strand). Cytogenetic location: 19q13.33.
Variant type: single nucleotide variant.
Coding change: c.433C>T on transcript NM_000554.6 (MANE Select); coding-DNA position 433, C replaced by T.
Protein change: p.Pro145Ser; replaces proline 145 with serine.
Molecular consequence: missense variant.
Genome position (GRCh38, 1-based): chr19:47,839,500, C>T. VCF-style: chr19-47839500-C-T. GRCh37 (hg19) VCF-style: chr19-48342757-C-T.
Other names: short protein forms P145S.
Identifiers: ClinVar variation 936963 (VCV000936963.10), dbSNP rs149300196, ClinGen allele CA9544490.
Genomic context (GRCh38, chr19:47,839,500, plus strand): 5'-CCAAGACCCTCCACAGATGTGTGTCCAGACCCTCTGGGCATCTCAGATTCCTACAGTCCC[C>T]CTCTGCCCGGCCCCTCAGGCTCCCCAACCACGGCAGTGGCCACTGTGTCCATCTGGAGCC-3'
Protein context (NP_000545.1, residues 135-155): PLGISDSYSP[Pro145Ser]LPGPSGSPTT

ClinVar aggregate classification (germline): Uncertain significance. Review status: criteria provided, multiple submitters, no conflicts (2 of 4 stars). 2 submissions from 2 submitters: Uncertain significance (2). Last evaluated 2025-12-01.

Conditions:
Leber congenital amaurosis 7 (LCA7). Identifiers: Orphanet 65, MedGen C3151192, MONDO:0013449, OMIM 613829.
Cone-rod dystrophy 2 (CORD2). Also called: CONE-ROD RETINAL DYSTROPHY; Cone-rod retinal dystrophy 2. Identifiers: Orphanet 1872, MedGen C3489532, MONDO:0007362, OMIM 120970.

Allele frequency attached by ClinVar (database versions not stated): ExAC 0.00001; gnomAD 0.00001; gnomAD exomes 0.00001; TOPMed 0.00001; ESP Exome Variant Server 0.00008.

Submissions (2):

Labcorp Genetics (formerly Invitae), Labcorp
Classification: Uncertain significance for Cone-rod dystrophy 2; Leber congenital amaurosis 7. Last evaluated: 2025-12-01. Review status: criteria provided, single submitter. Criteria: Invitae Variant Classification Sherloc (09022015). Collection method: clinical testing. Allele origin: germline.
Comment: This sequence change replaces proline, which is neutral and non-polar, with serine, which is neutral and polar, at codon 145 of the CRX protein (p.Pro145Ser). This variant is present in population databases (rs149300196, gnomAD 0.002%). This variant has not been reported in the literature in individuals affected with CRX-related conditions. ClinVar contains an entry for this variant (Variation ID: 936963). Invitae Evidence Modeling of protein sequence and biophysical properties (such as structural, functional, and spatial information, amino acid conservation, physicochemical variation, residue mobility, and thermodynamic stability) indicates that this missense variant is not expected to disrupt CRX protein function with a negative predictive value of 95%. In summary, the available evidence is currently insufficient to determine the role of this variant in disease. Therefore, it has been classified as a Variant of Uncertain Significance.

Blueprint Genetics
Classification: Uncertain significance. Last evaluated: 2019-10-24. Review status: criteria provided, single submitter. Criteria: ACMG Guidelines, 2015. Collection method: clinical testing. Allele origin: germline.